The following is an entry in ClinVar:

NM_004187.5(KDM5C):c.1112G>A (p.Cys371Tyr)

Gene: KDM5C (lysine demethylase 5C; minus strand). Cytogenetic location: Xp11.22.
Variant type: single nucleotide variant.
Coding change: c.1112G>A on transcript NM_004187.5 (MANE Select); coding-DNA position 1112, G replaced by A.
Protein change: p.Cys371Tyr; replaces cysteine 371 with tyrosine.
Molecular consequence: missense variant. On other transcripts: non-coding transcript variant (3).
Genome position (GRCh38, 1-based): chrX:53,214,699, C>T on the plus strand (G>A on the coding strand, the complement: KDM5C is on the minus strand). VCF-style: chrX-53214699-C-T. GRCh37 (hg19) VCF-style: chrX-53243881-C-T.
Other names: c.911G>A, p.Cys304Tyr (NM_001146702.2); c.1109G>A, p.Cys370Tyr (NM_001282622.3, NM_001353979.2, NM_001353982.2); c.1112G>A, p.Cys371Tyr (NM_001353978.3, NM_001353981.2, NM_001353984.2); short protein forms C304Y, C370Y, C371Y.
Identifiers: ClinVar variation 1310122 (VCV001310122.2), dbSNP rs2146934082, ClinGen allele CA413131866.

ClinVar aggregate classification (germline): Uncertain significance (1 of 4 stars; one submission).

Submission:

GeneDx
Classification: Uncertain significance. Last evaluated: 2021-04-16. Review status: criteria provided, single submitter. Criteria: GeneDx Variant Classification Process June 2021. Collection method: clinical testing. Allele origin: germline. Affected: yes.
Comment: Not observed in large population cohorts (Lek et al., 2016); Has not been previously published as pathogenic or benign to our knowledge; In silico analysis, which includes protein predictors and evolutionary conservation, supports a deleterious effect; In addition, in silico splice predictors suggest this variant may lead to abnormal gene splicing. In the absence of RNA/functional studies, the actual effect of this sequence change is unknown